The following is an entry in ClinVar:

ClinVar aggregate classification (germline): Uncertain significance (1 of 4 stars; one submission).

Conditions:
Cardiovascular phenotype. Identifiers: MedGen CN230736.

gnomAD v4.1: 2 of 1,612,900 alleles (0.00012%); highest among the groups gnomAD compares: Non-Finnish European, 0.00017%; no homozygotes.

Submission:

Ambry Genetics
Classification: Uncertain significance for Cardiovascular phenotype. Last evaluated: 2025-02-13. Review status: criteria provided, single submitter. Criteria: Ambry Variant Classification Scheme 2023. Collection method: clinical testing. Allele origin: germline.
Comment: The p.N70S variant (also known as c.209A>G), located in coding exon 3 of the RIT1 gene, results from an A to G substitution at nucleotide position 209. The asparagine at codon 70 is replaced by serine, an amino acid with highly similar properties. This amino acid position is conserved. In addition, this alteration is predicted to be tolerated by in silico analysis. Based on the available evidence, the clinical significance of this variant remains unclear.

NM_006912.6(RIT1):c.209A>G (p.Asn70Ser)

Gene: RIT1 (Ras like without CAAX 1; minus strand). Cytogenetic location: 1q22.
Variant type: single nucleotide variant.
Coding change: c.209A>G on transcript NM_006912.6 (MANE Select); coding-DNA position 209, A replaced by G.
Protein change: p.Asn70Ser; replaces asparagine 70 with serine.
Molecular consequence: missense variant.
Genome position (GRCh38, 1-based): chr1:155,904,759, T>C on the plus strand (A>G on the coding strand, the complement: RIT1 is on the minus strand). VCF-style: chr1-155904759-T-C. GRCh37 (hg19) VCF-style: chr1-155874550-T-C.
Other names: c.101A>G, p.Asn34Ser (NM_001256820.2); c.260A>G, p.Asn87Ser (NM_001256821.2); short protein forms N34S, N70S, N87S.
Identifiers: ClinVar variation 3789344 (VCV003789344.1).